The following is an entry in ClinVar:

ClinVar aggregate classification (germline): Uncertain significance (1 of 4 stars; one submission).

Conditions:
Epidermolysis bullosa simplex with nail dystrophy (EBS5D). Identifiers: MedGen C4225309, MONDO:0014661, OMIM 616487.
Epidermolysis bullosa simplex, Ogna type (EBS5A). Also called: EPIDERMOLYSIS BULLOSA SIMPLEX 5A, OGNA TYPE; Pidermolysis bullosa simplex 5A, Ogna type. Identifiers: Orphanet 79401, MedGen C0432317, MONDO:0007555, OMIM 131950.
Autosomal recessive limb-girdle muscular dystrophy type 2Q (LGMDR17). Also called: MUSCULAR DYSTROPHY, LIMB-GIRDLE, AUTOSOMAL RECESSIVE 17. Identifiers: Orphanet 254361, MedGen C3150989, MONDO:0013390, OMIM 613723.
Epidermolysis bullosa simplex 5B, with muscular dystrophy (EBS5B). Also called: EPIDERMOLYSIS BULLOSA SIMPLEX AND LIMB-GIRDLE MUSCULAR DYSTROPHY; Epidermolysis bullosa simplex with muscular dystrophy. Identifiers: Orphanet 257, MedGen C2931072, MONDO:0009181, OMIM 226670.
Epidermolysis bullosa simplex 5C, with pyloric atresia (EBS5C). Also called: PLEC-Related Epidermolysis Bullosa with Pyloric Atresia; Epidermolysis bullosa simplex with pyloric atresia; PLEC1-Related Epidermolysis Bullosa with Pyloric Atresia. Identifiers: Orphanet 158684, MedGen C2677349, MONDO:0012807, OMIM 612138.

gnomAD v4.1: 2 of 1,613,070 alleles (0.00012%); highest among the groups gnomAD compares: African/African-American, 0.0027%; no homozygotes.

Submission:

Labcorp Genetics (formerly Invitae), Labcorp
Classification: Uncertain significance for Autosomal recessive limb-girdle muscular dystrophy type 2Q; Epidermolysis bullosa simplex, Ogna type; Epidermolysis bullosa simplex with nail dystrophy; Epidermolysis bullosa simplex 5C, with pyloric atresia; Epidermolysis bullosa simplex 5B, with muscular dystrophy. Last evaluated: 2025-06-10. Review status: criteria provided, single submitter. Criteria: Invitae Variant Classification Sherloc (09022015). Collection method: clinical testing. Allele origin: germline.
Comment: This sequence change replaces histidine, which is basic and polar, with tyrosine, which is neutral and polar, at codon 2445 of the PLEC protein (p.His2445Tyr). The frequency data for this variant in the population databases is considered unreliable, as metrics indicate poor data quality at this position in the gnomAD database. This variant has not been reported in the literature in individuals affected with PLEC-related conditions. An algorithm developed to predict the effect of missense changes on protein structure and function outputs the following: PolyPhen-2: "Benign". The tyrosine amino acid residue is found in multiple mammalian species, which suggests that this missense change does not adversely affect protein function. In summary, the available evidence is currently insufficient to determine the role of this variant in disease. Therefore, it has been classified as a Variant of Uncertain Significance.

NM_201384.3(PLEC):c.7252C>T (p.His2418Tyr)

Gene: PLEC (plectin; minus strand). Cytogenetic location: 8q24.3.
Variant type: single nucleotide variant.
Coding change: c.7252C>T on transcript NM_201384.3 (MANE Select); coding-DNA position 7252, C replaced by T.
Protein change: p.His2418Tyr; replaces histidine 2418 with tyrosine.
Molecular consequence: missense variant. On other transcripts: intron variant (1).
Genome position (GRCh38, 1-based): chr8:143,922,677, G>A on the plus strand (C>T on the coding strand, the complement: PLEC is on the minus strand). VCF-style: chr8-143922677-G-A. GRCh37 (hg19) VCF-style: chr8-144996845-G-A.
Other names: c.7333C>T, p.His2445Tyr (NM_000445.5); c.7210C>T, p.His2404Tyr (NM_201378.4); c.7186C>T, p.His2396Tyr (NM_201379.3); c.7663C>T, p.His2555Tyr (NM_201380.4); c.7156C>T, p.His2386Tyr (NM_201381.3); c.7252C>T, p.His2418Tyr (NM_201382.4); c.7264C>T, p.His2422Tyr (NM_201383.3); c.4126-282C>T (NM_001410941.1); short protein forms H2386Y, H2555Y, H2396Y, H2445Y, H2404Y, H2422Y, H2418Y.
Identifiers: ClinVar variation 4787893 (VCV004787893.1).